The following is an entry in ClinVar:

ClinVar aggregate classification (germline): Conflicting classifications of pathogenicity. Review status: criteria provided, conflicting classifications (1 of 4 stars). 2 submissions from 2 submitters: Uncertain significance (1); Likely benign (1). Last evaluated 2024-07-31.

Conditions:
Inborn genetic diseases. Identifiers: MedGen C0950123, MeSH D030342.

Allele frequency attached by ClinVar (database versions not stated): TOPMed below 0.00001; ExAC 0.00001; gnomAD 0.00001; gnomAD exomes 0.00001.
gnomAD v4.1: 15 of 1,601,304 alleles (0.00094%); highest among the groups gnomAD compares: Non-Finnish European, 0.0013%; no homozygotes.

Submissions (2):

Ambry Genetics
Classification: Likely benign for Inborn genetic diseases. Last evaluated: 2024-07-31. Review status: criteria provided, single submitter. Criteria: Ambry Variant Classification Scheme 2023. Collection method: clinical testing. Allele origin: germline.

Labcorp Genetics (formerly Invitae), Labcorp
Classification: Uncertain significance. Last evaluated: 2023-11-24. Review status: criteria provided, single submitter. Criteria: Invitae Variant Classification Sherloc (09022015). Collection method: clinical testing. Allele origin: germline.
Comment: This sequence change replaces valine, which is neutral and non-polar, with isoleucine, which is neutral and non-polar, at codon 612 of the MYSM1 protein (p.Val612Ile). This variant is present in population databases (rs767560916, gnomAD 0.0009%). This variant has not been reported in the literature in individuals affected with MYSM1-related conditions. Advanced modeling of protein sequence and biophysical properties (such as structural, functional, and spatial information, amino acid conservation, physicochemical variation, residue mobility, and thermodynamic stability) performed at Invitae indicates that this missense variant is not expected to disrupt MYSM1 protein function with a negative predictive value of 80%. In summary, the available evidence is currently insufficient to determine the role of this variant in disease. Therefore, it has been classified as a Variant of Uncertain Significance.

NM_001085487.3(MYSM1):c.1834G>A (p.Val612Ile)

Gene: MYSM1 (Myb like, SWIRM and MPN domains 1; minus strand). Cytogenetic location: 1p32.1.
Variant type: single nucleotide variant.
Coding change: c.1834G>A on transcript NM_001085487.3 (MANE Select); coding-DNA position 1834, G replaced by A.
Protein change: p.Val612Ile; replaces valine 612 with isoleucine.
Molecular consequence: missense variant.
Genome position (GRCh38, 1-based): chr1:58,667,855, C>T on the plus strand (G>A on the coding strand, the complement: MYSM1 is on the minus strand). VCF-style: chr1-58667855-C-T. GRCh37 (hg19) VCF-style: chr1-59133527-C-T.
Other names: c.1834G>A (NM_001085487.2); short protein forms V612I.
Identifiers: ClinVar variation 2891873 (VCV002891873.4), dbSNP rs767560916, ClinGen allele CA877667.